The following is an entry in ClinVar:

ClinVar aggregate classification (germline): Uncertain significance (1 of 4 stars; one submission).

Conditions:
CC2D2A-related disorder. Also called: CC2D2A-related condition; CC2D2A-related disorders. Identifiers: MedGen CN239313.

gnomAD v4.1: 1 of 1,606,502 alleles (0.000062%); highest among the groups gnomAD compares: Admixed American, 0.0017%; no homozygotes.

Submission:

PreventionGenetics, part of Exact Sciences
Classification: Uncertain significance for CC2D2A-related condition. Last evaluated: 2025-10-17. Review status: criteria provided, single submitter. Criteria: ACMG Guidelines, 2015. Collection method: clinical testing. Allele origin: germline.
Comment: The CC2D2A c.2371A>C variant is predicted to result in the amino acid substitution p.Asn791His. To our knowledge, this variant has not been reported in the literature. This variant is reported in 0.0031% of alleles in individuals of Latino descent in gnomAD. At this time, the clinical significance of this variant is uncertain due to the absence of conclusive functional and genetic evidence.

NM_001378615.1(CC2D2A):c.2371A>C (p.Asn791His)

Genes: CC2D2A (coiled-coil and C2 domain containing 2A; plus strand), FBXL5 (F-box and leucine rich repeat protein 5; minus strand). Cytogenetic location: 4p15.32.
Variant type: single nucleotide variant.
Coding change: c.2371A>C on transcript NM_001378615.1 (MANE Select); coding-DNA position 2371, A replaced by C.
Protein change: p.Asn791His; replaces asparagine 791 with histidine.
Molecular consequence: missense variant.
Genome position (GRCh38, 1-based): chr4:15,553,190, A>C. VCF-style: chr4-15553190-A-C. GRCh37 (hg19) VCF-style: chr4-15554813-A-C.
Other names: c.2371A>C, p.Asn791His (NM_001080522.2); c.2224A>C, p.Asn742His (NM_001378617.1); short protein forms N742H, N791H.
Identifiers: ClinVar variation 4995291 (VCV004995291.1).
Genomic context (GRCh38, chr4:15,553,190, plus strand): 5'-CATCCTGTTTAATCTGGTGTTTCCCCAGGAGTGCCCTTCTCATTTGAAGCTGATGGCAGT[A>C]ACCAGCTGACTCTGATGACCTCAGGGAAAGTGTCTCATAGTGTGGCATGGGCCATTGGAG-3'
Protein context (NP_001365544.1, residues 781-801): VPFSFEADGS[Asn791His]QLTLMTSGKV